The following is an entry in ClinVar:

ClinVar aggregate classification (germline): Uncertain significance (1 of 4 stars; one submission).

Conditions:
Hereditary cancer-predisposing syndrome. Also called: Tumor predisposition; Neoplastic Syndromes, Hereditary; Hereditary neoplastic syndrome; Hereditary Cancer Syndrome. Identifiers: Orphanet 140162, MedGen C0027672, MeSH D009386, MONDO:0015356.

Submission:

Ambry Genetics
Classification: Uncertain significance for Hereditary cancer-predisposing syndrome. Last evaluated: 2024-11-05. Review status: criteria provided, single submitter. Criteria: Ambry Variant Classification Scheme 2023. Collection method: clinical testing. Allele origin: germline.
Comment: The p.S579R variant (also known as c.1737T>A), located in coding exon 13 of the TSC1 gene, results from a T to A substitution at nucleotide position 1737. The serine at codon 579 is replaced by arginine, an amino acid with dissimilar properties. This amino acid position is conserved. In addition, this alteration is predicted to be tolerated by in silico analysis. Based on the available evidence, the clinical significance of this variant remains unclear.

NM_000368.5(TSC1):c.1737T>A (p.Ser579Arg)

Gene: TSC1 (TSC complex subunit 1; minus strand). Cytogenetic location: 9q34.13.
Variant type: single nucleotide variant.
Coding change: c.1737T>A on transcript NM_000368.5 (MANE Select); coding-DNA position 1737, T replaced by A.
Protein change: p.Ser579Arg; replaces serine 579 with arginine.
Molecular consequence: missense variant. On other transcripts: non-coding transcript variant (5).
Genome position (GRCh38, 1-based): chr9:132,905,841, A>T on the plus strand (T>A on the coding strand, the complement: TSC1 is on the minus strand). VCF-style: chr9-132905841-A-T. GRCh37 (hg19) VCF-style: chr9-135781228-A-T.
Other names: c.1734T>A, p.Ser578Arg (NM_001162426.2, NM_001406597.1, NM_001406598.1 and 6 more transcripts); c.1584T>A, p.Ser528Arg (NM_001162427.2, NM_001406610.1); c.1374T>A, p.Ser458Arg (NM_001362177.2, NM_001406614.1, NM_001406615.1 and 5 more transcripts); c.1737T>A, p.Ser579Arg (NM_001406592.1, NM_001406593.1, NM_001406594.1 and 7 more transcripts); c.1581T>A, p.Ser527Arg (NM_001406611.1, NM_001406612.1, NM_001406613.1); c.1371T>A, p.Ser457Arg (NM_001406620.1, NM_001406621.1, NM_001406622.1 and 2 more transcripts); c.786T>A, p.Ser262Arg (NM_001406626.1); c.783T>A, p.Ser261Arg (NM_001406627.1, NM_001406628.1); and 1 more; short protein forms S457R, S458R, S527R, S228R, S262R, S261R, S528R, S578R.
Identifiers: ClinVar variation 3462426 (VCV003462426.1).